The following is an entry in ClinVar:

NM_002474.3(MYH11):c.4619A>G (p.Gln1540Arg)

Genes: MYH11 (myosin heavy chain 11; minus strand), NDE1 (nudE neurodevelopment protein 1; plus strand). Cytogenetic location: 16p13.11.
Variant type: single nucleotide variant.
Coding change: c.4619A>G on transcript NM_002474.3 (MANE Select); coding-DNA position 4619, A replaced by G.
Protein change: p.Gln1540Arg; replaces glutamine 1540 with arginine.
Molecular consequence: missense variant. On other transcripts: intron variant (2).
Genome position (GRCh38, 1-based): chr16:15,721,011, T>C on the plus strand (A>G on the coding strand, the complement: MYH11 is on the minus strand). VCF-style: chr16-15721011-T-C. GRCh37 (hg19) VCF-style: chr16-15814868-T-C.
Other names: c.4640A>G, p.Gln1547Arg (NM_001040113.2, NM_001040114.2); c.4619A>G, p.Gln1540Arg (NM_022844.3); c.948-3180T>C (NM_001143979.2, NM_017668.3); short protein forms Q1540R, Q1547R.
Identifiers: ClinVar variation 3387177 (VCV003387177.2).

ClinVar aggregate classification (germline): Uncertain significance. Review status: criteria provided, multiple submitters, no conflicts (2 of 4 stars). 2 submissions from 2 submitters: Uncertain significance (2). Last evaluated 2025-08-14.

Conditions:
Familial thoracic aortic aneurysm and aortic dissection (TAAD). Also called: Thoracic aortic aneurysms and dissections. Identifiers: Orphanet 91387, MedGen C4707243, MONDO:0019625.

gnomAD v4.1: 2 of 1,613,986 alleles (0.00012%); highest among the groups gnomAD compares: Non-Finnish European, 0.00017%; no homozygotes.

Submissions (2):

Color Diagnostics, LLC DBA Color Health
Classification: Uncertain significance for Familial thoracic aortic aneurysm and aortic dissection. Last evaluated: 2025-08-14. Review status: criteria provided, single submitter. Criteria: ACMG Guidelines, 2015. Collection method: clinical testing. Allele origin: germline.
Comment: This missense variant replaces glutamine with arginine at codon 1547 of the MYH11 protein. Computational prediction suggests that this variant may have deleterious impact on protein structure and function. To our knowledge, functional studies have not been reported for this variant. This variant has not been reported in individuals affected with MYH11-related disorders in the literature. This variant has been identified in 1/31382 chromosomes in the general population by the Genome Aggregation Database (gnomAD). The available evidence is insufficient to determine the role of this variant in disease conclusively. Therefore, this variant is classified as a Variant of Uncertain Significance.

All of Us Research Program, National Institutes of Health
Classification: Uncertain significance for Familial thoracic aortic aneurysm and aortic dissection. Last evaluated: 2024-08-06. Review status: criteria provided, single submitter. Criteria: ACMG Guidelines, 2015. Collection method: clinical testing. Allele origin: germline. Inheritance: Autosomal dominant inheritance. Observed: 1 variant allele, 1 heterozygote.
Comment: This study involves interpretation of variants in research participants for the purpose of population health screening. Participant phenotype was not available at the time of variant classification. Additional details can be found in publication PMID: 35346344, PMCID: PMC8962531